The following is an entry in ClinVar:

ClinVar aggregate classification (germline): Uncertain significance. Review status: criteria provided, multiple submitters, no conflicts (2 of 4 stars). 3 submissions from 3 submitters: Uncertain significance (3). Last evaluated 2026-07-28.

Conditions:
Dilated cardiomyopathy 1JJ (CMD1JJ). Identifiers: Orphanet 154, MedGen C3808935, MONDO:0014095, OMIM 615235.
Cardiovascular phenotype. Identifiers: MedGen CN230736.

gnomAD v4.1: 8 of 1,614,218 alleles (0.0005%); highest among the groups gnomAD compares: Admixed American, 0.0017%; no homozygotes.

Submissions (3):

Ambry Genetics
Classification: Uncertain significance for Cardiovascular phenotype. Last evaluated: 2026-07-28. Review status: criteria provided, single submitter. Criteria: Ambry Variant Classification Scheme 2023. Collection method: clinical testing. Allele origin: germline.
Comment: The p.N751S variant (also known as c.2252A>G), located in coding exon 17 of the LAMA4 gene, results from an A to G substitution at nucleotide position 2252. The asparagine at codon 751 is replaced by serine, an amino acid with highly similar properties. This amino acid position is conserved. In addition, this alteration is predicted to be tolerated by in silico analysis. Based on the available evidence, the clinical significance of this variant remains unclear.

Dasa
Classification: Uncertain significance for Dilated cardiomyopathy 1JJ. Last evaluated: 2025-11-18. Review status: criteria provided, single submitter. Criteria: DASA Assertion Criteria. Collection method: clinical testing. Allele origin: germline.
Comment: NM_001105206.3(LAMA4):c.2273A>G (p.Asn758Ser) is a missense variant that results in the substitution of asparagine with serine. This variant is rare in population databases. Computational prediction algorithms are consistent with a benign effect. The currently available literature and clinical evidence are not sufficient to establish a definitive association between this variant and the reported condition. Therefore, this variant is classified as a variant of uncertain significance.

Labcorp Genetics (formerly Invitae), Labcorp
Classification: Uncertain significance for Dilated cardiomyopathy 1JJ. Last evaluated: 2024-07-25. Review status: criteria provided, single submitter. Criteria: Invitae Variant Classification Sherloc (09022015). Collection method: clinical testing. Allele origin: germline.
Comment: This sequence change replaces asparagine, which is neutral and polar, with serine, which is neutral and polar, at codon 751 of the LAMA4 protein (p.Asn751Ser). This variant is present in population databases (rs782467767, gnomAD 0.003%). This variant has not been reported in the literature in individuals affected with LAMA4-related conditions. An algorithm developed to predict the effect of missense changes on protein structure and function outputs the following: PolyPhen-2: "Benign". The serine amino acid residue is found in multiple mammalian species, which suggests that this missense change does not adversely affect protein function. In summary, the available evidence is currently insufficient to determine the role of this variant in disease. Therefore, it has been classified as a Variant of Uncertain Significance.

NM_001105206.3(LAMA4):c.2273A>G (p.Asn758Ser)

Gene: LAMA4 (laminin subunit alpha 4; minus strand). Cytogenetic location: 6q21.
Variant type: single nucleotide variant.
Coding change: c.2273A>G on transcript NM_001105206.3 (MANE Select); coding-DNA position 2273, A replaced by G.
Protein change: p.Asn758Ser; replaces asparagine 758 with serine.
Molecular consequence: missense variant.
Genome position (GRCh38, 1-based): chr6:112,148,237, T>C on the plus strand (A>G on the coding strand, the complement: LAMA4 is on the minus strand). VCF-style: chr6-112148237-T-C. GRCh37 (hg19) VCF-style: chr6-112469439-T-C.
Other names: c.2252A>G, p.Asn751Ser (NM_001105207.3, NM_002290.5); short protein forms N751S, N758S.
Identifiers: ClinVar variation 3698197 (VCV003698197.5).